The following is an entry in ClinVar:

ClinVar aggregate classification (germline): Uncertain significance. Review status: criteria provided, multiple submitters, no conflicts (2 of 4 stars). 2 submissions from 2 submitters: Uncertain significance (2). Last evaluated 2025-12-05.

Allele frequency attached by ClinVar (database versions not stated): gnomAD exomes below 0.00001; TOPMed below 0.00001.
gnomAD v4.1: 7 of 1,614,104 alleles (0.00043%); highest among the groups gnomAD compares: Non-Finnish European, 0.00051%; no homozygotes.

Submissions (2):

Labcorp Genetics (formerly Invitae), Labcorp
Classification: Uncertain significance. Last evaluated: 2025-12-05. Review status: criteria provided, single submitter. Criteria: Invitae Variant Classification Sherloc (09022015). Collection method: clinical testing. Allele origin: germline.
Comment: This sequence change replaces alanine, which is neutral and non-polar, with threonine, which is neutral and polar, at codon 1304 of the TRRAP protein (p.Ala1304Thr). This variant is not present in population databases (gnomAD no frequency). This variant has not been reported in the literature in individuals affected with TRRAP-related conditions. ClinVar contains an entry for this variant (Variation ID: 2657702). Invitae Evidence Modeling of protein sequence and biophysical properties (such as structural, functional, and spatial information, amino acid conservation, physicochemical variation, residue mobility, and thermodynamic stability) indicates that this missense variant is not expected to disrupt TRRAP protein function with a negative predictive value of 80%. In summary, the available evidence is currently insufficient to determine the role of this variant in disease. Therefore, it has been classified as a Variant of Uncertain Significance.

CeGaT Center for Human Genetics Tuebingen
Classification: Uncertain significance. Last evaluated: 2022-04-01. Review status: criteria provided, single submitter. Criteria: CeGaT Center For Human Genetics Tuebingen Variant Classification Criteria Version 2. Collection method: clinical testing. Allele origin: germline. Affected: yes. Observed: 1 variant allele.
Comment: TRRAP: PP3

NM_001375524.1(TRRAP):c.3910G>A (p.Ala1304Thr)

Gene: TRRAP (transformation/transcription domain associated protein; plus strand). Cytogenetic location: 7q22.1.
Variant type: single nucleotide variant.
Coding change: c.3910G>A on transcript NM_001375524.1 (MANE Select); coding-DNA position 3910, G replaced by A.
Protein change: p.Ala1304Thr; replaces alanine 1304 with threonine.
Molecular consequence: missense variant.
Genome position (GRCh38, 1-based): chr7:98,933,298, G>A. VCF-style: chr7-98933298-G-A. GRCh37 (hg19) VCF-style: chr7-98530921-G-A.
Other names: c.3910G>A, p.Ala1304Thr (NM_001244580.2, NM_003496.4); short protein forms A1304T.
Identifiers: ClinVar variation 2657702 (VCV002657702.26), dbSNP rs1554413390, ClinGen allele CA368303389.